The following is an entry in ClinVar:

ClinVar aggregate classification (germline): Likely benign. Review status: criteria provided, multiple submitters, no conflicts (2 of 4 stars). 4 submissions from 4 submitters: Likely benign (3). 1 of the submissions does not count toward it. Last evaluated 2022-11-03.

Conditions:
Inborn genetic diseases. Identifiers: MedGen C0950123, MeSH D030342.
GRIA1-related disorder. Also called: GRIA1-related condition.

Allele frequency attached by ClinVar (database versions not stated): ExAC 0.00003; gnomAD 0.00045; gnomAD exomes 0.02077.

Submissions (4):

Ambry Genetics
Classification: Likely benign for Inborn genetic diseases. Last evaluated: 2022-11-03. Review status: criteria provided, single submitter. Criteria: Ambry Variant Classification Scheme 2023. Collection method: clinical testing. Allele origin: germline.

Labcorp Genetics (formerly Invitae), Labcorp
Classification: Likely benign. Last evaluated: 2019-12-31. Review status: criteria provided, single submitter. Criteria: Invitae Variant Classification Sherloc (09022015). Collection method: clinical testing. Allele origin: germline.

Breakthrough Genomics
Classification: Likely benign. Review status: criteria provided, single submitter. Criteria: ACMG Guidelines, 2015. Collection method: not provided. Allele origin: germline. Inheritance: Autosomal recessive inheritance. Affected: yes.

PreventionGenetics, part of Exact Sciences
Classification: Benign for GRIA1-related condition. Last evaluated: 2019-10-10. Review status: no assertion criteria provided. Collection method: clinical testing. Allele origin: germline. Not counted in ClinVar's aggregate classification.
Comment: This variant is classified as benign based on ACMG/AMP sequence variant interpretation guidelines (Richards et al. 2015 PMID: 25741868, with internal and published modifications).

NM_000827.4(GRIA1):c.1453-4T>C

Gene: GRIA1 (glutamate ionotropic receptor AMPA type subunit 1; plus strand). Cytogenetic location: 5q33.2.
Variant type: single nucleotide variant.
Coding change: c.1453-4T>C on transcript NM_000827.4 (MANE Select); 4 bases into the intron before coding-DNA position 1453, T replaced by C.
Molecular consequence: intron variant.
Genome position (GRCh38, 1-based): chr5:153,705,693, T>C. VCF-style: chr5-153705693-T-C. GRCh37 (hg19) VCF-style: chr5-153085253-T-C.
Other names: c.1480-4T>C (NM_001364166.2); c.1246-4T>C (NM_001364167.2, NM_001258023.1); c.1168-4T>C (NM_001258020.2); c.1453-4T>C (NM_001114183.2, NM_000827.3); c.1285-4T>C (NM_001364165.2); c.1213-4T>C (NM_001258019.2); c.1483-4T>C (NM_001258021.2, NM_001258022.2).
Identifiers: ClinVar variation 777399 (VCV000777399.9), dbSNP rs149493618, ClinGen allele CA3524615.